The following is an entry in ClinVar:

NM_001267550.2(TTN):c.65536del (p.Ser21846fs)

Genes: TTN (titin; minus strand), TTN-AS1 (TTN antisense RNA 1; plus strand). Cytogenetic location: 2q31.2.
Variant type: Deletion.
Coding change: c.65536del on transcript NM_001267550.2 (MANE Select); coding-DNA position 65536, one base deleted (T; older notation c.65536delT).
Protein change: p.Ser21846fs; shifts the reading frame from serine 21846.
Molecular consequence: frameshift variant. On other transcripts: non-coding transcript variant (1).
Genome position (GRCh38, 1-based): chr2:178,583,646, A deleted on the plus strand (T on the coding strand, the reverse complement: TTN is on the minus strand); the first of 2 consecutive A bases (chr2:178,583,646-178,583,647); deleting either gives the same sequence. VCF-style (leftmost placement, unchanged base first): chr2-178583645-GA-G. GRCh37 (hg19) VCF-style: chr2-179448372-GA-G.
Other names: c.60613del, p.Ser20205fs (NM_001256850.1); c.38341del, p.Ser12781fs (NM_003319.4); c.57832del, p.Ser19278fs (NM_133378.4); c.38716del, p.Ser12906fs (NM_133432.3); c.38917del, p.Ser12973fs (NM_133437.4); c.38341delT (NM_003319.4); short protein forms S12781fs, S12906fs, S21846fs, S20205fs, S12973fs, S19278fs.
Identifiers: ClinVar variation 2451850 (VCV002451850.2), dbSNP rs2469098192, ClinGen allele CA2580064602.

ClinVar aggregate classification (germline): Likely pathogenic (1 of 4 stars; one submission).

Conditions:
Cardiovascular phenotype. Identifiers: MedGen CN230736.

Submission:

Ambry Genetics
Classification: Likely pathogenic for Cardiovascular phenotype. Last evaluated: 2022-11-21. Review status: criteria provided, single submitter. Criteria: Ambry Variant Classification Scheme 2023. Collection method: clinical testing. Allele origin: germline.
Comment: The c.38341delT variant, located in coding exon 139 of the TTN gene, results from a deletion of one nucleotide at nucleotide position 38341, causing a translational frameshift with a predicted alternate stop codon (p.S12781Lfs*7). This exon is located in the A-band region of the N2-B isoform of the titin protein and is constitutively expressed in TTN transcripts (percent spliced in or PSI 100%). This variant is considered to be rare based on population cohorts in the Genome Aggregation Database (gnomAD). This alteration is expected to result in loss of function by premature protein truncation or nonsense-mediated mRNA decay. While truncating variants in TTN are present in 1-3% of the general population, truncating variants in the A-band are the most common cause of dilated cardiomyopathy (DCM) (Herman DS et al. N. Engl. J. Med., 2012 Feb;366:619-28; Roberts AM et al. Sci Transl Med, 2015 Jan;7:270ra6). TTN truncating variants encoded in constitutive exons (PSI >90%) have been found to be significantly associated with DCM regardless of their position in titin (Schafer S et al. Nat. Genet., 2017 01;49:46-53). Based on the majority of available evidence to date, this variant is likely to be pathogenic.